The following is an entry in ClinVar:

NM_004972.4(JAK2):c.490G>A (p.Gly164Arg)

Genes: INSL6 (insulin like 6; minus strand), JAK2 (Janus kinase 2; plus strand). Cytogenetic location: 9p24.1.
Variant type: single nucleotide variant.
Coding change: c.490G>A on transcript NM_004972.4 (MANE Select); coding-DNA position 490, G replaced by A.
Protein change: p.Gly164Arg; replaces glycine 164 with arginine.
Molecular consequence: missense variant. On other transcripts: 5 prime UTR variant (2), non-coding transcript variant (2).
Genome position (GRCh38, 1-based): chr9:5,050,707, G>A. VCF-style: chr9-5050707-G-A. GRCh37 (hg19) VCF-style: chr9-5050707-G-A.
Other names: c.490G>A, p.Gly164Arg (NM_001322194.2, NM_001322195.2, NM_001322196.2); c.-631G>A (NM_001322198.2, NM_001322199.2); c.43G>A, p.Gly15Arg (NM_001322204.2); short protein forms G15R, G164R.
Identifiers: ClinVar variation 2997288 (VCV002997288.3), dbSNP rs1168347611, ClinGen allele CA372818550.

ClinVar aggregate classification (germline): Uncertain significance (1 of 4 stars; one submission).

Allele frequency attached by ClinVar (database versions not stated): gnomAD exomes below 0.00001; gnomAD 0.00001; TOPMed 0.00001.
gnomAD v4.1: 4 of 1,613,354 alleles (0.00025%); highest among the groups gnomAD compares: East Asian, 0.0022%; no homozygotes.

Submission:

Labcorp Genetics (formerly Invitae), Labcorp
Classification: Uncertain significance. Last evaluated: 2023-04-09. Review status: criteria provided, single submitter. Criteria: Invitae Variant Classification Sherloc (09022015). Collection method: clinical testing. Allele origin: germline.
Comment: This sequence change replaces glycine, which is neutral and non-polar, with arginine, which is basic and polar, at codon 164 of the JAK2 protein (p.Gly164Arg). In summary, the available evidence is currently insufficient to determine the role of this variant in disease. Therefore, it has been classified as a Variant of Uncertain Significance. An algorithm developed to predict the effect of missense changes on protein structure and function (PolyPhen-2) suggests that this variant is likely to be disruptive. This variant has not been reported in the literature in individuals affected with JAK2-related conditions. This variant is present in population databases (no rsID available, gnomAD 0.0009%).